The following is an entry in ClinVar:

ClinVar aggregate classification (germline): Pathogenic. Review status: criteria provided, multiple submitters, no conflicts (2 of 4 stars). 3 submissions from 3 submitters: Pathogenic (3). Last evaluated 2025-11-13.

Conditions:
Cardiovascular phenotype. Identifiers: MedGen CN230736.
Hypertrophic cardiomyopathy 4. Also called: Familial hypertrophic cardiomyopathy 4. Identifiers: MedGen C1861862, MONDO:0007268, OMIM 115197.

Allele frequency attached by ClinVar (database versions not stated): gnomAD exomes below 0.00001.

Submissions (3):

Institute of Immunology and Genetics Kaiserslautern
Classification: Pathogenic for Hypertrophic cardiomyopathy 4. Last evaluated: 2025-11-13. Review status: criteria provided, single submitter. Criteria: ACMG Guidelines, 2015. Collection method: clinical testing. Allele origin: germline. Affected: yes.
Comment: ACMG Criteria: PVS1, PM2, PP5; Variant was found in heterozygous state.

Ambry Genetics
Classification: Pathogenic for Cardiovascular phenotype. Last evaluated: 2023-08-09. Review status: criteria provided, single submitter. Criteria: Ambry Variant Classification Scheme 2023. Collection method: clinical testing. Allele origin: germline.
Comment: The c.236dupA pathogenic mutation, located in coding exon 2 of the MYBPC3 gene, results from a duplication of A at nucleotide position 236, causing a translational frameshift with a predicted alternate stop codon (p.Y79*). This variant and a different nucleotide change resulting in the same protein impact (c.237C>G, p.Y79*) have been reported in individuals with hypertrophic cardiomyopathy (Millat G et al. Eur J Med Genet, 2010 Jul;53:261-7; Garcia-Pavia P et al. Eur J Heart Fail, 2011 Nov;13:1193-201; Berge KE et al. Clin Genet, 2014 Oct;86:355-60; Kapplinger JD et al. J Cardiovasc Transl Res, 2014 Apr;7:347-61). This variant is considered to be rare based on population cohorts in the Genome Aggregation Database (gnomAD). In addition to the clinical data presented in the literature, this alteration is expected to result in loss of function by premature protein truncation or nonsense-mediated mRNA decay. As such, this alteration is interpreted as a disease-causing mutation.

GeneDx
Classification: Pathogenic. Last evaluated: 2016-12-02. Review status: criteria provided, single submitter. Criteria: GeneDx Variant Classification (06012015). Collection method: clinical testing. Allele origin: germline. Affected: yes.
Comment: The c.236dupA pathogenic variant in the MYBPC3 gene has previously been reported in association with HCM (Kapplinger et al., 2014). This variant causes a shift in reading frame at codon Tyrosine 79 and results in the creation of a premature stop codon, denoted p.Tyr79Ter. The c.236dupA pathogenic variant is expected to result in either an abnormal, truncated protein product or loss of protein from this allele through nonsense-mediated mRNA decay. In addition, a different nucleotide change affecting the same residue (c.237 C>G) that also results in a stop codon at position 79 has been reported in the literature in association with severe HCM (Garcia-Pavia et al., 2007; Garcia-Pavia et al., 2011). Other downstream frameshift variants in the MYBPC3 gene have been reported in HGMD in association with cardiomyopathy (Stenson et al., 2014). Furthermore, the c.236dupA variant was not observed in approximately 6,500 individuals of European and African American ancestry in the NHLBI Exome Sequencing Project, indicating it is not a common benign variant in these populations.In summary, c.236dupA in the MYBPC3 gene is interpreted as a pathogenic variant.

Literature cited by the submitters: PubMed 20624503 (cited by Ambry Genetics); PubMed 21896538 (cited by Ambry Genetics); PubMed 24111713 (cited by Ambry Genetics); PubMed 24510615 (cited by Ambry Genetics); PubMed 28971120 (cited by Ambry Genetics); PubMed 32841044 (cited by Ambry Genetics).

NM_000256.3(MYBPC3):c.236dup (p.Tyr79Ter)

Gene: MYBPC3 (myosin binding protein C3; minus strand). Cytogenetic location: 11p11.2.
Variant type: Duplication.
Coding change: c.236dup on transcript NM_000256.3 (MANE Select); coding-DNA position 236, one base duplicated (A; older notation c.236dupA).
Protein change: p.Tyr79Ter; replaces tyrosine 79 with a stop codon.
Molecular consequence: nonsense.
Genome position (GRCh38, 1-based): chr11:47,351,295, T duplicated on the plus strand (A on the coding strand, the reverse complement: MYBPC3 is on the minus strand). VCF-style (leftmost placement, unchanged base first): chr11-47351294-G-GT. GRCh37 (hg19) VCF-style: chr11-47372845-G-GT.
Other names: c.236dup, p.Tyr79Ter (LRG_386t1); c.236dupA (NM_000256.3); short protein forms Y79*.
Identifiers: ClinVar variation 372710 (VCV000372710.5), dbSNP rs1057517939, ClinGen allele CA16042816.